The following is an entry in ClinVar:

ClinVar aggregate classification (germline): Pathogenic. Review status: criteria provided, multiple submitters, no conflicts (2 of 4 stars). 2 submissions from 2 submitters: Pathogenic (2). Last evaluated 2025-03-12.

Conditions:
Wilson disease (WND). Also called: Wilson's disease. Identifiers: Orphanet 905, MedGen C0019202, MONDO:0010200, OMIM 277900. Disease mechanism: loss of function.

Submissions (2):

Genetic Services Laboratory, University of Chicago
Classification: Pathogenic. Last evaluated: 2025-03-12. Review status: criteria provided, single submitter. Criteria: ACMG Guidelines, 2015. Collection method: clinical testing. Allele origin: germline.
Comment: The c.4230G>A variant: Results in the creation of a premature stop codon at amino acid position 1410, p.Trp1410*. As this truncation occurs in the last exon of the ATP7B , the mRNA transcript may escape nonsense-mediated decay but is expected to disrupt the last 56 amino acids of the ATP7B protein; however, functional studies have not been conducted to determine this definitively. Has been previously described in individuals with Wilson disease (PMID: 18483695, 21682854). Other truncating variants located downstream of this variant have been reported to be pathogenic (PMID: 26799313). Has not been described in population databases such as gnomAD v4. ClinVar contains an entry for this variant (Variation ID: 2137507). Collectively this evidence indicates that this variant is pathogenic.

Labcorp Genetics (formerly Invitae), Labcorp
Classification: Pathogenic for Wilson disease. Last evaluated: 2022-08-09. Review status: criteria provided, single submitter. Criteria: Invitae Variant Classification Sherloc (09022015). Collection method: clinical testing. Allele origin: germline.
Comment: This premature translational stop signal has been observed in individual(s) with Wilson disease (PMID: 18483695, 21682854). For these reasons, this variant has been classified as Pathogenic. This variant disrupts a region of the ATP7B protein in which other variant(s) (p.Arg1459Glyfs*2) have been determined to be pathogenic (PMID: 26799313). This suggests that this is a clinically significant region of the protein, and that variants that disrupt it are likely to be disease-causing. This variant is not present in population databases (gnomAD no frequency). This sequence change creates a premature translational stop signal (p.Trp1410*) in the ATP7B gene. While this is not anticipated to result in nonsense mediated decay, it is expected to disrupt the last 56 amino acid(s) of the ATP7B protein.

Literature cited by the submitters: PubMed 18483695 (cited by Labcorp Genetics (formerly Invitae), Labcorp); PubMed 21682854 (cited by Labcorp Genetics (formerly Invitae), Labcorp); PubMed 26799313 (cited by Labcorp Genetics (formerly Invitae), Labcorp).

NM_000053.4(ATP7B):c.4230G>A (p.Trp1410Ter)

Gene: ATP7B (ATPase copper transporting beta; minus strand). Cytogenetic location: 13q14.3.
Variant type: single nucleotide variant.
Coding change: c.4230G>A on transcript NM_000053.4 (MANE Select); coding-DNA position 4230, G replaced by A.
Protein change: p.Trp1410Ter; replaces tryptophan 1410 with a stop codon.
Molecular consequence: nonsense.
Genome position (GRCh38, 1-based): chr13:51,934,924, C>T on the plus strand (G>A on the coding strand, the complement: ATP7B is on the minus strand). VCF-style: chr13-51934924-C-T. GRCh37 (hg19) VCF-style: chr13-52509060-C-T.
Other names: c.3609G>A, p.Trp1203Ter (NM_001005918.3); c.3897G>A, p.Trp1299Ter (NM_001243182.2); c.3996G>A, p.Trp1332Ter (NM_001330578.2, NM_001406527.1, NM_001406528.1); c.3978G>A, p.Trp1326Ter (NM_001330579.2, NM_001406531.1, NM_001406532.1); c.4230G>A, p.Trp1410Ter (NM_001406511.1, NM_001406512.1); c.4224G>A, p.Trp1408Ter (NM_001406513.1); c.4197G>A, p.Trp1399Ter (NM_001406514.1); c.4176G>A, p.Trp1392Ter (NM_001406515.1, NM_001406516.1); and 22 more; short protein forms W1183*, W1194*, W1216*, W1332*, W1345*, W1365*, W1408*, W1129*.
Identifiers: ClinVar variation 2137507 (VCV002137507.5), dbSNP rs2547542207, ClinGen allele CA388019487.